The following is an entry in ClinVar:

NM_007294.4(BRCA1):c.242A>G (p.Gln81Arg)

Gene: BRCA1 (BRCA1 DNA repair associated; minus strand). Cytogenetic location: 17q21.31.
Variant type: single nucleotide variant.
Coding change: c.242A>G on transcript NM_007294.4 (MANE Select); coding-DNA position 242, A replaced by G.
Protein change: p.Gln81Arg; replaces glutamine 81 with arginine.
Molecular consequence: missense variant. On other transcripts: non-coding transcript variant (1).
Genome position (GRCh38, 1-based): chr17:43,104,927, T>C on the plus strand (A>G on the coding strand, the complement: BRCA1 is on the minus strand). VCF-style: chr17-43104927-T-C. GRCh37 (hg19) VCF-style: chr17-41256944-T-C.
Other names: c.101A>G, p.Gln34Arg (NM_001408498.1, NM_001408499.1, NM_001408500.1 and 99 more transcripts); c.32A>G, p.Gln11Arg (NM_001408502.1, NM_001408506.1, NM_001408507.1 and 58 more transcripts); c.-140A>G (NM_001408510.1, NM_001408512.1, NM_001407959.1 and 4 more transcripts); c.242A>G, p.Gln81Arg (NM_007298.4, NM_007299.4, NM_007300.4 and 168 more transcripts); c.164A>G, p.Gln55Arg (NM_001407653.1, NM_001407654.1, NM_001407655.1 and 21 more transcripts); c.110A>G, p.Gln37Arg (NM_001408451.1); short protein forms Q34R, Q81R, Q37R, Q11R, Q55R.
Identifiers: ClinVar variation 868798 (VCV000868798.15), dbSNP rs886040862, ClinGen allele CA10601672.
Genomic context (GRCh38, chr17:43,104,927, plus strand): 5'-CACTCCAAACCTGTGTCAAGCTGAAAAGCACAAATGATTTTCAATAGCTCTTCAACAAGT[T>C]GACTAAATCTCGTACTTTCTTGTAGGCTCCTGAAATTAAATTGTTTGAGAAACACACTCA-3'
Protein context (NP_009225.1, residues 71-91): RSLQESTRFS[Gln81Arg]LVEELLKIIC

ClinVar aggregate classification (germline): Uncertain significance (1 of 4 stars; one submission).

Conditions:
Hereditary breast ovarian cancer syndrome. Also called: Hereditary breast and ovarian cancer; Hereditary breast and ovarian cancer syndrome (HBOC); Breast and ovarian cancer; Hereditary breast and/or ovarian cancer syndrome; BRCA1- and BRCA2-Associated Hereditary Breast and Ovarian Cancer; Hereditary breast and ovarian cancer syndrome. Identifiers: Orphanet 145, MedGen C0677776, MeSH D061325, MONDO:0003582. Disease mechanism: loss of function.

Submissions (2):

Labcorp Genetics (formerly Invitae), Labcorp
Classification: Uncertain significance for Hereditary breast ovarian cancer syndrome. Last evaluated: 2024-02-14. Review status: criteria provided, single submitter. Criteria: Invitae Variant Classification Sherloc (09022015). Collection method: clinical testing. Allele origin: germline.
Comment: This sequence change replaces glutamine, which is neutral and polar, with arginine, which is basic and polar, at codon 81 of the BRCA1 protein (p.Gln81Arg). This variant is not present in population databases (gnomAD no frequency). This variant has not been reported in the literature in individuals affected with BRCA1-related conditions. ClinVar contains an entry for this variant (Variation ID: 868798). Advanced modeling performed at Invitae incorporating data from internal and/or published experimental studies (PMID: 30209399) indicates that this missense variant is not expected to disrupt BRCA1 function with a negative predictive value of 95%. Experimental studies have shown that this missense change does not substantially affect BRCA1 function (PMID: 30209399). In summary, the available evidence is currently insufficient to determine the role of this variant in disease. Therefore, it has been classified as a Variant of Uncertain Significance.

Brotman Baty Institute, University of Washington
No classification provided (evidence only). Condition: Breast-ovarian cancer, familial 1. Review status: no classification provided. Collection method: in vitro. Allele origin: not applicable. Functional consequence: functionally_normal. Not counted in ClinVar's aggregate classification.
ClinVar note: "not provided" was previously submitted as the classification for the variant. However, the classification appeared to be based only on an observation of functional data so it was converted to no classification on 2025-07-30.

Literature cited by the submitters: PubMed 30209399 (cited by Labcorp Genetics (formerly Invitae), Labcorp).